The following is an entry in ClinVar:

ClinVar aggregate classification (germline): Benign/Likely benign. Review status: criteria provided, multiple submitters, no conflicts (2 of 4 stars). 2 submissions from 2 submitters: Benign (1); Likely benign (1). Last evaluated 2026-01-31.

Conditions:
Gorlin syndrome. Also called: Nevoid Basal Cell Carcinoma Syndrome; Basal cell nevus syndrome. Identifiers: Orphanet 377, MedGen C0004779, MONDO:0007187.
PTCH2-related disorder. Also called: PTCH2-related condition; PTCH2-related disease.

Allele frequency attached by ClinVar (database versions not stated): ESP Exome Variant Server 0.00008; gnomAD 0.00012 and 0.00015; gnomAD exomes 0.00012 and 0.00024; ExAC 0.00025; TOPMed 0.00025; 1000 Genomes Project 30x 0.00031; 1000 Genomes Project 0.00040.

Submissions (2):

Labcorp Genetics (formerly Invitae), Labcorp
Classification: Benign for Gorlin syndrome. Last evaluated: 2026-01-31. Review status: criteria provided, single submitter. Criteria: Invitae Variant Classification Sherloc (09022015). Collection method: clinical testing. Allele origin: germline.

PreventionGenetics, part of Exact Sciences
Classification: Likely benign for PTCH2-related condition. Last evaluated: 2025-08-12. Review status: criteria provided, single submitter. Criteria: ACMG Guidelines, 2015. Collection method: clinical testing. Allele origin: germline.
Comment: This variant is classified as likely benign based on ACMG/AMP sequence variant interpretation guidelines (Richards et al. 2015 PMID: 25741868, with internal and published modifications).

NM_003738.5(PTCH2):c.1533C>T (p.Ala511=)

Gene: PTCH2 (patched 2; minus strand). Cytogenetic location: 1p34.1.
Variant type: single nucleotide variant.
Coding change: c.1533C>T on transcript NM_003738.5 (MANE Select); coding-DNA position 1533, C replaced by T.
Protein change: p.Ala511=; no amino-acid change (alanine 511 retained).
Molecular consequence: synonymous variant.
Genome position (GRCh38, 1-based): chr1:44,828,563, G>A on the plus strand (C>T on the coding strand, the complement: PTCH2 is on the minus strand). VCF-style: chr1-44828563-G-A. GRCh37 (hg19) VCF-style: chr1-45294235-G-A.
Other names: c.1533C>T, p.Ala511= (NM_001166292.2).
Identifiers: ClinVar variation 415449 (VCV000415449.12), dbSNP rs76854674, ClinGen allele CA823278.